The following is an entry in ClinVar:

NM_001122681.2(SH3BP2):c.1462C>T (p.Arg488Trp)

Gene: SH3BP2 (SH3 domain binding protein 2; plus strand). Cytogenetic location: 4p16.3.
Variant type: single nucleotide variant.
Coding change: c.1462C>T on transcript NM_001122681.2 (MANE Select); coding-DNA position 1462, C replaced by T.
Protein change: p.Arg488Trp; replaces arginine 488 with tryptophan.
Molecular consequence: missense variant.
Genome position (GRCh38, 1-based): chr4:2,832,386, C>T. VCF-style: chr4-2832386-C-T. GRCh37 (hg19) VCF-style: chr4-2834113-C-T.
Other names: p.Arg488Trp; c.1546C>T, p.Arg516Trp (NM_001145855.2, LRG_1334t2); c.1633C>T, p.Arg545Trp (NM_001145856.2); c.1462C>T, p.Arg488Trp (NM_003023.4, LRG_1334t1); short protein forms R488W, R516W, R545W.
Identifiers: ClinVar variation 571796 (VCV000571796.17), dbSNP rs373554386, ClinGen allele CA2819558.

ClinVar aggregate classification (germline): Conflicting classifications of pathogenicity. Review status: criteria provided, conflicting classifications (1 of 4 stars). 4 submissions from 4 submitters: Uncertain significance (3); Benign (1). Last evaluated 2025-07-24.

Conditions:
Fibrous dysplasia of jaw (CRBM). Also called: Cherubism. Identifiers: Orphanet 184, MedGen C0008029, MONDO:0007315, OMIM 118400.

Allele frequency attached by ClinVar (database versions not stated): gnomAD 0.00001 and 0.00002; gnomAD exomes 0.00003 and 0.00006; TOPMed 0.00004; ExAC 0.00005; ESP Exome Variant Server 0.00008.
gnomAD v4.1: 95 of 1,613,982 alleles (0.0059%); highest among the groups gnomAD compares: Non-Finnish European, 0.0069%; no homozygotes.

Submissions (4):

Labcorp Genetics (formerly Invitae), Labcorp
Classification: Uncertain significance for Fibrous dysplasia of jaw. Last evaluated: 2025-07-24. Review status: criteria provided, single submitter. Criteria: Invitae Variant Classification Sherloc (09022015). Collection method: clinical testing. Allele origin: germline.
Comment: This sequence change replaces arginine, which is basic and polar, with tryptophan, which is neutral and slightly polar, at codon 488 of the SH3BP2 protein (p.Arg488Trp). This variant is present in population databases (rs373554386, gnomAD 0.01%). This variant has not been reported in the literature in individuals affected with SH3BP2-related conditions. ClinVar contains an entry for this variant (Variation ID: 571796). Invitae Evidence Modeling of protein sequence and biophysical properties (such as structural, functional, and spatial information, amino acid conservation, physicochemical variation, residue mobility, and thermodynamic stability) indicates that this missense variant is not expected to disrupt SH3BP2 protein function with a negative predictive value of 95%. In summary, the available evidence is currently insufficient to determine the role of this variant in disease. Therefore, it has been classified as a Variant of Uncertain Significance.

Mayo Clinic Laboratories, Mayo Clinic
Classification: Uncertain significance. Last evaluated: 2024-02-21. Review status: criteria provided, single submitter. Criteria: ACMG Guidelines, 2015. Collection method: clinical testing. Allele origin: germline. Observed: 1 variant allele.
Comment: PP3

Department of Pathology and Laboratory Medicine, Sinai Health System
Classification: Uncertain significance for Fibrous dysplasia of jaw. Last evaluated: 2023-02-09. Review status: criteria provided, single submitter. Criteria: ACMG Guidelines, 2015. Collection method: research. Allele origin: germline.

Illumina Laboratory Services, Illumina
Classification: Benign for Fibrous dysplasia of jaw. Last evaluated: 2018-03-06. Review status: criteria provided, single submitter. Criteria: ICSL Variant Classification Criteria 13 December 2019. Collection method: clinical testing. Allele origin: germline.
Comment: This variant was observed in the ICSL laboratory as part of a predisposition screen in an ostensibly healthy population. It had not been previously curated by ICSL or reported in the Human Gene Mutation Database (HGMD: prior to June 1st, 2018), and was therefore a candidate for classification through an automated scoring system. Utilizing variant allele frequency, disease prevalence and penetrance estimates, and inheritance mode, an automated score was calculated to assess if this variant is too frequent to cause the disease. Based on the score and internal cut-off values, a variant classified as benign is not then subjected to further curation. The score for this variant resulted in a classification of benign for this disease.